The following is an entry in ClinVar:

ClinVar aggregate classification (germline): Likely pathogenic (1 of 4 stars; one submission).

Conditions:
Charcot-Marie-Tooth disease type 4. Also called: Charcot-Marie-Tooth disease, type IV; Charcot-Marie-Tooth, Type 4. Identifiers: Orphanet 64749, MedGen C4082197, MONDO:0018995.

Submission:

Labcorp Genetics (formerly Invitae), Labcorp
Classification: Likely pathogenic for Charcot-Marie-Tooth disease type 4. Last evaluated: 2025-10-01. Review status: criteria provided, single submitter. Criteria: Invitae Variant Classification Sherloc (09022015). Collection method: clinical testing. Allele origin: germline.
Comment: This sequence change replaces leucine, which is neutral and non-polar, with proline, which is neutral and non-polar, at codon 763 of the SH3TC2 protein (p.Leu763Pro). This variant is not present in population databases (gnomAD no frequency). This missense change has been observed in individual(s) with Charcot-Marie-Tooth disease and/or SH3TC2-related conditions (PMID: 37273706; internal data). In at least one individual the data is consistent with being in trans (on the opposite chromosome) from a pathogenic variant. ClinVar contains an entry for this variant (Variation ID: 650878). Invitae Evidence Modeling of protein sequence and biophysical properties (such as structural, functional, and spatial information, amino acid conservation, physicochemical variation, residue mobility, and thermodynamic stability) indicates that this missense variant is expected to disrupt SH3TC2 protein function with a positive predictive value of 95%. In summary, the currently available evidence indicates that the variant is pathogenic, but additional data are needed to prove that conclusively. Therefore, this variant has been classified as Likely Pathogenic.

Literature cited by the submitters: PubMed 37273706.

NM_024577.4(SH3TC2):c.2288T>C (p.Leu763Pro)

Gene: SH3TC2 (SH3 domain and tetratricopeptide repeats 2; minus strand). Cytogenetic location: 5q32.
Variant type: single nucleotide variant.
Coding change: c.2288T>C on transcript NM_024577.4 (MANE Select); coding-DNA position 2288, T replaced by C.
Protein change: p.Leu763Pro; replaces leucine 763 with proline.
Molecular consequence: missense variant.
Genome position (GRCh38, 1-based): chr5:149,027,444, A>G on the plus strand (T>C on the coding strand, the complement: SH3TC2 is on the minus strand). VCF-style: chr5-149027444-A-G. GRCh37 (hg19) VCF-style: chr5-148407007-A-G.
Other names: short protein forms L763P.
Identifiers: ClinVar variation 650878 (VCV000650878.4), dbSNP rs1580900331, ClinGen allele CA361666681.
Genomic context (GRCh38, chr5:149,027,444, plus strand): 5'-GCCTGGCTCAGGTAGTGGATGGCACCGTCAGGAGACCTGTGCTCGAGGTACACTTTGGAA[A>G]GGATGAGACACAGGGCCCTCTGGGTGCTCCGGTCTGCTAGTTCCTCACAGGCAGCCAGGG-3'
Protein context (NP_078853.2, residues 753-773): RSTQRALCLI[Leu763Pro]SKVYLEHRSP